The following is an entry in ClinVar:

ClinVar aggregate classification (germline): Conflicting classifications of pathogenicity. Review status: criteria provided, conflicting classifications (1 of 4 stars). 8 submissions from 8 submitters: Uncertain significance (1); Likely benign (3). 4 of the submissions do not count toward it. Last evaluated 2026-03-23.

Conditions:
PKD1-related disorder. Also called: PKD1-related condition.
Inborn genetic diseases. Identifiers: MedGen C0950123, MeSH D030342.
Polycystic kidney disease. Also called: Polycystic kidney dysplasia; Kidney, Polycystic. Identifiers: MedGen C0022680, MeSH D007690, MONDO:0020642, HP:0000113.

Allele frequency attached by ClinVar (database versions not stated): gnomAD 0.00061 and 0.00065; TOPMed 0.00059; ExAC 0.00097; 1000 Genomes Project 30x 0.00031; ESP Exome Variant Server 0.00039; gnomAD exomes 0.00044; 1000 Genomes Project 0.00040.
gnomAD v4.1: 903 of 1,597,590 alleles (0.057%); highest among the groups gnomAD compares: Admixed American, 0.13%; 3 homozygotes.

Submissions (8):

Women's Health and Genetics/Laboratory Corporation of America, LabCorp
Classification: Uncertain significance. Last evaluated: 2026-03-23. Review status: criteria provided, single submitter. Criteria: LabCorp Variant Classification Summary - May 2015. Collection method: clinical testing. Allele origin: germline.
Comment: Variant summary: PKD1 c.3430G>A (p.Val1144Ile) results in a conservative amino acid change in the encoded protein sequence. Algorithms developed to predict the effect of missense changes on protein structure and function all suggest that this variant is likely to be tolerated. The variant allele was found at a frequency of 0.00044 in 218286 control chromosomes. This frequency is not significantly higher than estimated for disease-causing variants in PKD1, allowing no conclusion about variant significance. c.3430G>A has been observed in at least one individual affected with Polycystic Kidney Disease, without strong evidence of causality (example: Rossetti_2012), and has been observed in an individual affected with Bardet-Biedl syndrome (example: Zacchia_2021). These reports do not provide unequivocal conclusions about association of the variant with PKD1-related disorders. To our knowledge, no experimental evidence demonstrating an impact on protein function has been reported. The following publications have been ascertained in the context of this evaluation (PMID: 33964006, 22383692). ClinVar contains an entry for this variant (Variation ID: 997303). Based on the evidence outlined above, the variant was classified as uncertain significance.

Blueprint Genetics
Classification: Likely benign. Last evaluated: 2024-11-20. Review status: criteria provided, single submitter. Criteria: ACMG Guidelines, 2015. Collection method: clinical testing. Allele origin: germline.

Ambry Genetics
Classification: Likely benign for Inborn genetic diseases. Last evaluated: 2023-12-07. Review status: criteria provided, single submitter. Criteria: Ambry Variant Classification Scheme 2023. Collection method: clinical testing. Allele origin: germline.

Athena Diagnostics
Classification: Likely benign. Last evaluated: 2021-03-03. Review status: criteria provided, single submitter. Criteria: Athena Diagnostics criteria. Collection method: clinical testing. Allele origin: unknown.

PreventionGenetics, part of Exact Sciences
Classification: Likely benign for PKD1-related condition. Last evaluated: 2020-02-26. Review status: no assertion criteria provided. Collection method: clinical testing. Allele origin: germline. Not counted in ClinVar's aggregate classification.
Comment: This variant is classified as likely benign based on ACMG/AMP sequence variant interpretation guidelines (Richards et al. 2015 PMID: 25741868, with internal and published modifications).

Department of Pathology and Laboratory Medicine, Sinai Health System
Classification: Likely benign for Polycystic Kidney disease. Review status: no assertion criteria provided. Collection method: clinical testing. Allele origin: unknown. Affected: yes. Study: The Canadian Open Genetics Repository (COGR). Not counted in ClinVar's aggregate classification.
Comment: The PKD1 p.Val1144Ile variant was identified in 1 of 460 proband chromosomes (frequency: 0.002) from individuals or families with PKD (Rossetti 2012). The variant was also identified in dbSNP (ID: rs140991712) as â€šÃ„ÃºNAâ€šÃ„Ã¹, ADPKD Mutation Database (as likely neutral), the 1000 Genomes Project in 2 of 5008 chromosomes (freq 0.002), the NHLBI GO Exome Sequencing Project in 3 of 8538 European American alleles (freq. 0.00035) and in 2 of 4338 African American alleles (freq. 0.00046), the genome Aggregation Database (beta, October 19th 2016) in 105 of 244836 chromosomes (freq. 0.00042), the Exome Aggregation Consortium database (August 8th 2016) in 48 of 49266 chromosomes (freq. 0.00097) in the following populations: Latino in 11 of 3188 chromosomes (freq. 0.0034), European in 35 of 25890 chromosomes (freq. 0.00135), Finnish in 1 of 1168 chromosomes (freq. 0.00085) and African in 1 of 4404 chromosomes (freq. 0.00022), but was not seen in East Asian, other, and South Asian populations, increasing the likelihood this could be a low frequency benign variant. In addition we cannot be certain that data from control databases is specific to PKD1 and not from one of the six PKD1 pseudogenes. This variant was not identified in Clinvitae, ClinVar, GeneInsight COGR, MutDB, PKD1-LOVD, PKD1-LOVD 3.0 and HAPMAP. The p.Val1144 residue is not conserved in mammals and the variant amino acid Isoleucine (Ile) is present in Macaque, Rat, Mouse, Opossum and Ciona intestinalis, increasing the likelihood that this variant does not have clinical significance. Computational analyses (PolyPhen-2, SIFT, AlignGVGD, BLOSUM, MutationTaster) do not suggest a high likelihood of impact to the protein. The variant occurs outside of the splicing consensus sequence and 1 of 5 in silico or computational prediction software programs (SpliceSiteFinder, MaxEntScan, NNSPLICE, GeneSplicer, HumanSpliceFinder) predict a greater than 10% difference in splicing; this is not very predictive of pathogenicity. In summary, based on the above information, the clinical significance of this variant cannot be determined with certainty at this time although we would lean towards a more benign role for this variant. This variant is classified as likely benign.

Genome Diagnostics Laboratory, University Medical Center Utrecht
Classification: Likely benign. Review status: no assertion criteria provided. Collection method: clinical testing. Allele origin: germline. Affected: yes. Study: VKGL Data-share Consensus. Not counted in ClinVar's aggregate classification.

Laboratory of Diagnostic Genome Analysis, Leiden University Medical Center (LUMC)
Classification: Likely benign. Review status: no assertion criteria provided. Collection method: clinical testing. Allele origin: germline. Affected: yes. Study: VKGL Data-share Consensus. Not counted in ClinVar's aggregate classification.

Literature cited by the submitters: PubMed 33964006 (cited by Women's Health and Genetics/Laboratory Corporation of America, LabCorp); PubMed 22383692 (cited by Women's Health and Genetics/Laboratory Corporation of America, LabCorp).

NM_001009944.3(PKD1):c.3430G>A (p.Val1144Ile)

Gene: PKD1 (polycystin 1, transient receptor potential channel interacting; minus strand). Cytogenetic location: 16p13.3.
Variant type: single nucleotide variant.
Coding change: c.3430G>A on transcript NM_001009944.3 (MANE Select); coding-DNA position 3430, G replaced by A.
Protein change: p.Val1144Ile; replaces valine 1144 with isoleucine.
Molecular consequence: missense variant.
Genome position (GRCh38, 1-based): chr16:2,111,737, C>T on the plus strand (G>A on the coding strand, the complement: PKD1 is on the minus strand). VCF-style: chr16-2111737-C-T. GRCh37 (hg19) VCF-style: chr16-2161738-C-T.
Other names: c.3430G>A, p.Val1144Ile (NM_000296.4); c.3430G>A (NM_001009944.2); short protein forms V1144I.
Identifiers: ClinVar variation 997303 (VCV000997303.9), dbSNP rs140991712, ClinGen allele CA7832770.
Genomic context (GRCh38, chr16:2,111,737, plus strand): 5'-CGAAGTCCCACGTGTAAAGAACACCCCCAGGCGAGGGCAGCGGGTGCGGGTAGAAGGTGA[C>T]GGGCCGGCCGGCCACCAGGACGCCGTCACTCACACCCACAGCCACGGAGGGCAGGGAGGC-3'
Protein context (NP_001009944.3, residues 1134-1154): SDGVLVAGRP[Val1144Ile]TFYPHPLPSP